The following is an entry in ClinVar:

ClinVar aggregate classification (germline): Uncertain significance. Review status: criteria provided, multiple submitters, no conflicts (2 of 4 stars). 2 submissions from 2 submitters: Uncertain significance (2). Last evaluated 2020-08-17.

Conditions:
Familial hemophagocytic lymphohistiocytosis 3 (FHL3). Also called: UNC13D-Related Familial Hemophagocytic Lymphohistiocytosis (UNC13D-fHLH). Identifiers: Orphanet 540, MedGen C1837174, MONDO:0012146, OMIM 608898.

Submissions (2):

Blueprint Genetics
Classification: Uncertain significance. Last evaluated: 2020-08-17. Review status: criteria provided, single submitter. Criteria: ACMG Guidelines, 2015. Collection method: clinical testing. Allele origin: germline.

Labcorp Genetics (formerly Invitae), Labcorp
Classification: Uncertain significance for Familial hemophagocytic lymphohistiocytosis 3. Last evaluated: 2019-10-30. Review status: criteria provided, single submitter. Criteria: Invitae Variant Classification Sherloc (09022015). Collection method: clinical testing. Allele origin: germline.
Comment: In summary, the available evidence is currently insufficient to determine the role of this variant in disease. Therefore, it has been classified as a Variant of Uncertain Significance. Experimental studies and prediction algorithms are not available or were not evaluated, and the functional significance of this variant is currently unknown. This variant has not been reported in the literature in individuals with UNC13D-related conditions. This variant is not present in population databases (ExAC no frequency). This variant, c.1266_1271del, results in the deletion of 2 amino acid(s) of the UNC13D protein (p.Asp423_Ser424del), but otherwise preserves the integrity of the reading frame.

NM_199242.3(UNC13D):c.1266_1271del (p.Asp423_Ser424del)

Gene: UNC13D (unc-13 homolog D; minus strand). Cytogenetic location: 17q25.1.
Variant type: Deletion.
Coding change: c.1266_1271del on transcript NM_199242.3 (MANE Select); coding-DNA positions 1266 to 1271, 6 bases deleted (GGACTC; older notation c.1266_1271delGGACTC).
Protein change: p.Asp423_Ser424del.
Molecular consequence: inframe deletion.
Genome position (GRCh38, 1-based): chr17:75,836,599-75,836,604, GAGTCC deleted on the plus strand (GGACTC on the coding strand, the reverse complement: UNC13D is on the minus strand); deleting any 6 consecutive bases within chr17:75,836,599-75,836,607 gives the same sequence; the c. name uses the placement nearest the transcript's 3' end. VCF-style (leftmost placement, unchanged base first): chr17-75836598-GGAGTCC-G. GRCh37 (hg19) VCF-style: chr17-73832679-GGAGTCC-G.
Identifiers: ClinVar variation 962139 (VCV000962139.8), dbSNP rs2064910679, ClinGen allele CA986358286.
Genomic context (GRCh38, chr17:75,836,598, plus strand): 5'-GACCCCACCGAGGAAGAGGAAGGCAGCCACTGACCTGAGAAGAGACTGCAGCCGGGCTGG[GGAGTCC>G]GAGACAGAGAGGGGGAAGACAGAGCGGAACCTCCGGATGAGGGAGAGGCCGTAGGTCAGC-3'